The following is an entry in ClinVar:

ClinVar aggregate classification (germline): Conflicting classifications of pathogenicity. Review status: criteria provided, conflicting classifications (1 of 4 stars). 2 submissions from 2 submitters: Pathogenic (1); Uncertain significance (1). Last evaluated 2023-05-23.

Conditions:
Cowden syndrome (CS). Also called: Cowden's disease; Cowden's syndrome; Cowden disease. Identifiers: Orphanet 201, MedGen C0018553, MONDO:0016063. Disease mechanism: gain of function.

Submissions (2):

GeneDx
Classification: Pathogenic. Last evaluated: 2023-05-23. Review status: criteria provided, single submitter. Criteria: GeneDx Variant Classification Process June 2021. Collection method: clinical testing. Allele origin: germline. Affected: yes.
Comment: Reported in tumor tissue in individuals with breast cancer, uterine serous carcinoma, bladder cancer, non-endometrioidendometrial cancer, and other cancers (Hayes et al., 2009; John et al., 2017; Rudd et al., 2011; Castaneda et al., 2014); Published functional studies demonstrate that A1066T did not show a significant increase in AKT phosphorylation compared to wildtype (Ross et al., 2013); In silico analysis supports that this missense variant does not alter protein structure/function; Not observed at significant frequency in large population cohorts (gnomAD); This variant is associated with the following publications: (PMID: 25467032, 22330809, 22209294, 28915710, 33188943, 19789314, 21266528, 31842489, 26351634, 37162026, 36746516, 19272638, 22430209)

Labcorp Genetics (formerly Invitae), Labcorp
Classification: Uncertain significance for Cowden syndrome. Last evaluated: 2018-12-07. Review status: criteria provided, single submitter. Criteria: Invitae Variant Classification Sherloc (09022015). Collection method: clinical testing. Allele origin: germline.
Comment: In summary, the available evidence is currently insufficient to determine the role of this variant in disease. Therefore, it has been classified as a Variant of Uncertain Significance. This variant has been reported to affect PIK3CA protein function (PMID: 22430209). This variant has not been reported in the germline of in individuals with PIK3CA-related conditions. This variant is not present in population databases (ExAC no frequency). This sequence change replaces alanine with valine at codon 1066 of the PIK3CA protein (p.Ala1066Val). The alanine residue is highly conserved and there is a small physicochemical difference between alanine and valine.

Literature cited by the submitters: PubMed 22430209 (cited by Labcorp Genetics (formerly Invitae), Labcorp).

NM_006218.4(PIK3CA):c.3197C>T (p.Ala1066Val)

Gene: PIK3CA (phosphatidylinositol-4,5-bisphosphate 3-kinase catalytic subunit alpha; plus strand). Cytogenetic location: 3q26.32.
Variant type: single nucleotide variant.
Coding change: c.3197C>T on transcript NM_006218.4 (MANE Select); coding-DNA position 3197, C replaced by T.
Protein change: p.Ala1066Val; replaces alanine 1066 with valine.
Molecular consequence: missense variant.
Genome position (GRCh38, 1-based): chr3:179,234,354, C>T. VCF-style: chr3-179234354-C-T. GRCh37 (hg19) VCF-style: chr3-178952142-C-T.
Other names: c.3197C>T (LRG_310t1); short protein forms A1066V.
Identifiers: ClinVar variation 648601 (VCV000648601.13), dbSNP rs1253171657, ClinGen allele CA355286053.
Genomic context (GRCh38, chr3:179,234,354, plus strand): 5'-CACATCATGGTGGCTGGACAACAAAAATGGATTGGATCTTCCACACAATTAAACAGCATG[C>T]ATTGAACTGAAAAGATAACTGAGAAAATGAAAGCTCACTCTGGATTCCACACTGCACTGT-3'
Protein context (NP_006209.2, residues 1056-1068): DWIFHTIKQH[Ala1066Val]LN